The following is an entry in ClinVar:

NM_181471.3(RFC2):c.126T>C (p.Tyr42=)

Gene: RFC2 (replication factor C subunit 2; minus strand). Cytogenetic location: 7q11.23.
Variant type: single nucleotide variant.
Coding change: c.126T>C on transcript NM_181471.3 (MANE Select); coding-DNA position 126, T replaced by C.
Protein change: p.Tyr42=; no amino-acid change (tyrosine 42 retained).
Molecular consequence: synonymous variant. On other transcripts: 5 prime UTR variant (3).
Genome position (GRCh38, 1-based): chr7:74,252,486, A>G on the plus strand (T>C on the coding strand, the complement: RFC2 is on the minus strand). VCF-style: chr7-74252486-A-G. GRCh37 (hg19) VCF-style: chr7-73666816-A-G.
Other names: c.-280T>C (NM_001278791.2, NM_001278793.2); c.-77T>C (NM_001278792.2); c.126T>C, p.Tyr42= (NM_002914.5).
Identifiers: ClinVar variation 4822529 (VCV004822529.4).

ClinVar aggregate classification (germline): Likely benign (1 of 4 stars; one submission).

Submission:

CeGaT Center for Human Genetics Tuebingen
Classification: Likely benign. Last evaluated: 2026-01-01. Review status: criteria provided, single submitter. Criteria: CeGaT Center For Human Genetics Tuebingen Variant Classification Criteria Version 2. Collection method: clinical testing. Allele origin: germline. Affected: yes. Observed: 1 variant allele.
Comment: RFC2: BP4, BP7